The following is an entry in ClinVar:

NM_033305.3(VPS13A):c.7810C>T (p.Arg2604Cys)

Gene: VPS13A (vacuolar protein sorting 13 homolog A; plus strand). Cytogenetic location: 9q21.2.
Variant type: single nucleotide variant.
Coding change: c.7810C>T on transcript NM_033305.3 (MANE Select); coding-DNA position 7810, C replaced by T.
Protein change: p.Arg2604Cys; replaces arginine 2604 with cysteine.
Molecular consequence: missense variant.
Genome position (GRCh38, 1-based): chr9:77,357,695, C>T. VCF-style: chr9-77357695-C-T. GRCh37 (hg19) VCF-style: chr9-79972611-C-T.
Other names: c.7693C>T, p.Arg2565Cys (NM_001018037.2); c.7810C>T, p.Arg2604Cys (NM_001018038.3, NM_015186.4); c.7810C>T (NM_033305.2); short protein forms R2565C, R2604C.
Identifiers: ClinVar variation 2044089 (VCV002044089.2), dbSNP rs773235453, ClinGen allele CA5093456.
Genomic context (GRCh38, chr9:77,357,695, plus strand): 5'-AATTCTAGTCATTTATAGATAAATTAATTTTTTCATTTGGGGGGACATATTTTTCAGGTT[C>T]GCCTAACCCCTACTGGTCATAACATGAAAATTCTGCAGCCGCATGTAATAGCTCTACGAA-3'
Protein context (NP_150648.2, residues 2594-2614): VIQLDTNVPV[Arg2604Cys]LTPTGHNMKI

ClinVar aggregate classification (germline): Uncertain significance. Review status: criteria provided, multiple submitters, no conflicts (2 of 4 stars). 2 submissions from 2 submitters: Uncertain significance (2). Last evaluated 2024-07-05.

Conditions:
Inborn genetic diseases. Identifiers: MedGen C0950123, MeSH D030342.

Allele frequency attached by ClinVar (database versions not stated): gnomAD 0.00001; gnomAD exomes 0.00001; TOPMed 0.00001; ExAC 0.00002.
gnomAD v4.1: 13 of 1,613,238 alleles (0.00081%); highest among the groups gnomAD compares: Admixed American, 0.0033%; no homozygotes.

Submissions (2):

Ambry Genetics
Classification: Uncertain significance for Inborn genetic diseases. Last evaluated: 2024-07-05. Review status: criteria provided, single submitter. Criteria: Ambry Variant Classification Scheme 2023. Collection method: clinical testing. Allele origin: germline.

Labcorp Genetics (formerly Invitae), Labcorp
Classification: Uncertain significance. Last evaluated: 2022-07-17. Review status: criteria provided, single submitter. Criteria: Invitae Variant Classification Sherloc (09022015). Collection method: clinical testing. Allele origin: germline.
Comment: This sequence change replaces arginine, which is basic and polar, with cysteine, which is neutral and slightly polar, at codon 2604 of the VPS13A protein (p.Arg2604Cys). This variant is present in population databases (rs773235453, gnomAD 0.007%). This variant has not been reported in the literature in individuals affected with VPS13A-related conditions. Algorithms developed to predict the effect of missense changes on protein structure and function output the following: SIFT: "Tolerated"; PolyPhen-2: "Benign"; Align-GVGD: "Class C0". The cysteine amino acid residue is found in multiple mammalian species, which suggests that this missense change does not adversely affect protein function. In summary, the available evidence is currently insufficient to determine the role of this variant in disease. Therefore, it has been classified as a Variant of Uncertain Significance.